The following is an entry in ClinVar:

NM_182588.3(RGPD4):c.2316G>A (p.Ala772=)

Gene: RGPD4 (RANBP2 like and GRIP domain containing 4; plus strand). Cytogenetic location: 2q12.3.
Variant type: single nucleotide variant.
Coding change: c.2316G>A on transcript NM_182588.3 (MANE Select); coding-DNA position 2316, G replaced by A.
Protein change: p.Ala772=; no amino-acid change (alanine 772 retained).
Molecular consequence: synonymous variant.
Genome position (GRCh38, 1-based): chr2:107,862,792, G>A. VCF-style: chr2-107862792-G-A. GRCh37 (hg19) VCF-style: chr2-108479248-G-A.
Identifiers: ClinVar variation 2651236 (VCV002651236.24), dbSNP rs2912696, ClinGen allele CA1818082.
Genomic context (GRCh38, chr2:107,862,792, plus strand): 5'-GGAACTCGAAAACTATAGTGAAGGAGATCCTCTCTATAAAAATGGTTCTTTGCGAAATGC[G>A]GATTCAGAAATAAAACATTCTACACCATCTCCTACCAAATATTCACTATCACCAAGTAAA-3'
Protein context (NP_872394.2, residues 762-782): PLYKNGSLRN[Ala772=]DSEIKHSTPS

ClinVar aggregate classification (germline): Likely benign (1 of 4 stars; one submission).

Allele frequency attached by ClinVar (database versions not stated): ExAC 0.00006; gnomAD 0.00053; gnomAD exomes 0.00254; 1000 Genomes Project 30x 0.00640.
gnomAD v4.1: 3,059 of 1,268,494 alleles (0.24%); highest among the groups gnomAD compares: African/African-American, 0.85%; 6 homozygotes.

Submission:

CeGaT Center for Human Genetics Tuebingen
Classification: Likely benign. Last evaluated: 2026-07-01. Review status: criteria provided, single submitter. Criteria: CeGaT Center For Human Genetics Tuebingen Variant Classification Criteria Version 2. Collection method: clinical testing. Allele origin: germline. Affected: yes. Observed: 6 variant alleles.
Comment: RGPD4: BP4, BP7